The following is an entry in ClinVar:

ClinVar aggregate classification (germline): Likely benign (0 of 4 stars; one submission).

Conditions:
NRP2-related disorder. Also called: NRP2-related condition.

Allele frequency attached by ClinVar (database versions not stated): gnomAD exomes 0.00002; ExAC 0.00006; ESP Exome Variant Server 0.00008; gnomAD 0.00009; TOPMed 0.00011.
gnomAD v4.1: 40 of 1,613,434 alleles (0.0025%); highest among the groups gnomAD compares: African/African-American, 0.025%; no homozygotes.

Submission:

PreventionGenetics, part of Exact Sciences
Classification: Likely benign for NRP2-related condition. Last evaluated: 2024-01-05. Review status: no assertion criteria provided. Collection method: clinical testing. Allele origin: germline.
Comment: This variant is classified as likely benign based on ACMG/AMP sequence variant interpretation guidelines (Richards et al. 2015 PMID: 25741868, with internal and published modifications).

NM_003872.3(NRP2):c.251+10G>A

Gene: NRP2 (neuropilin 2; plus strand). Cytogenetic location: 2q33.3.
Variant type: single nucleotide variant.
Coding change: c.251+10G>A on transcript NM_003872.3 (MANE Select); 10 bases into the intron after coding-DNA position 251, G replaced by A.
Molecular consequence: intron variant.
Genome position (GRCh38, 1-based): chr2:205,697,731, G>A. VCF-style: chr2-205697731-G-A. GRCh37 (hg19) VCF-style: chr2-206562455-G-A.
Other names: c.251+10G>A (NM_201266.2, NM_201279.2, NM_018534.4 and 2 more transcripts).
Identifiers: ClinVar variation 3037070 (VCV003037070.2), dbSNP rs370338287, ClinGen allele CA2068718.